The following is an entry in ClinVar:

ClinVar aggregate classification (germline): Pathogenic (1 of 4 stars; one submission).

Submission:

Labcorp Genetics (formerly Invitae), Labcorp
Classification: Pathogenic. Last evaluated: 2025-10-08. Review status: criteria provided, single submitter. Criteria: Invitae Variant Classification Sherloc (09022015). Collection method: clinical testing. Allele origin: germline.
Comment: This sequence change creates a premature translational stop signal (p.Leu131*) in the SMAD2 gene. It is expected to result in an absent or disrupted protein product. Loss-of-function variants in SMAD2 are known to be pathogenic (PMID: 30157302, 40028843). This variant is not present in population databases (gnomAD no frequency). This variant has not been reported in the literature in individuals affected with SMAD2-related conditions. ClinVar contains an entry for this variant (Variation ID: 2743215). For these reasons, this variant has been classified as Pathogenic.

Literature cited by the submitters: PubMed 30157302; PubMed 40028843.

NM_005901.6(SMAD2):c.392T>A (p.Leu131Ter)

Gene: SMAD2 (SMAD family member 2; minus strand). Cytogenetic location: 18q21.1.
Variant type: single nucleotide variant.
Coding change: c.392T>A on transcript NM_005901.6 (MANE Select); coding-DNA position 392, T replaced by A.
Protein change: p.Leu131Ter; replaces leucine 131 with a stop codon.
Molecular consequence: nonsense.
Genome position (GRCh38, 1-based): chr18:47,869,371, A>T on the plus strand (T>A on the coding strand, the complement: SMAD2 is on the minus strand). VCF-style: chr18-47869371-A-T. GRCh37 (hg19) VCF-style: chr18-45395742-A-T.
Other names: c.392T>A, p.Leu131Ter (NM_001003652.4); c.302T>A, p.Leu101Ter (NM_001135937.3); short protein forms L101*, L131*.
Identifiers: ClinVar variation 2743215 (VCV002743215.3), dbSNP rs2144379000, ClinGen allele CA402502111.